The following is an entry in ClinVar:

ClinVar aggregate classification (germline): Uncertain significance (1 of 4 stars; one submission).

Conditions:
Inborn genetic diseases. Identifiers: MedGen C0950123, MeSH D030342.

Submission:

Ambry Genetics
Classification: Uncertain significance for Inborn genetic diseases. Last evaluated: 2020-06-30. Review status: criteria provided, single submitter. Criteria: Ambry Variant Classification Scheme 2023. Collection method: clinical testing. Allele origin: germline.
Comment: The c.10890_10892delGGA variant (also known as p.E3631del) is located in coding exon 59 of the DST gene. This variant results from an in-frame deletion of 3 nucleotides at positions 10890 to 10892. This results in the in-frame deletion of a glutamic acid at codon 3631. This amino acid position is not well conserved in available vertebrate species. In addition, this alteration is predicted to be deleterious by in silico analysis (Choi Y et al. PLoS ONE. 2012; 7(10):e46688). Since supporting evidence is limited at this time, the clinical significance of this alteration remains unclear.

NM_001374736.1(DST):c.17247_17249del (p.Glu5750del)

Gene: DST (dystonin; minus strand). Cytogenetic location: 6p12.1.
Variant type: Deletion.
Coding change: c.17247_17249del on transcript NM_001374736.1 (MANE Select); coding-DNA positions 17247 to 17249, 3 bases deleted (GGA; older notation c.17247_17249delGGA).
Protein change: p.Glu5750del; deletes glutamic acid 5750.
Molecular consequence: inframe deletion.
Genome position (GRCh38, 1-based): chr6:56,529,993-56,529,995, TCC deleted on the plus strand (GGA on the coding strand, the reverse complement: DST is on the minus strand); deleting any 3 consecutive bases within chr6:56,529,993-56,529,997 gives the same sequence; the c. name uses the placement nearest the transcript's 3' end. VCF-style (leftmost placement, unchanged base first): chr6-56529992-TTCC-T. GRCh37 (hg19) VCF-style: chr6-56394790-TTCC-T.
Other names: c.10890_10892del, p.Glu3631del (NM_001144769.5); c.10476_10478del, p.Glu3493del (NM_001144770.2); c.17247_17249del, p.Glu5750del (NM_001374722.1); c.16614_16616del, p.Glu5539del (NM_001374729.1); c.10356_10358del, p.Glu3453del (NM_001374730.1, NM_001386100.1, NM_183380.4); c.17274_17276del, p.Glu5759del (NM_001374734.1); c.9378_9380del, p.Glu3127del (NM_015548.5); short protein forms E3453del, E3493del, E3631del, E5539del, E3127del, E5750del, E5759del.
Identifiers: ClinVar variation 1788299 (VCV001788299.2), dbSNP rs1562586127, ClinGen allele CA567637960.